The following is an entry in ClinVar:

NM_000501.4(ELN):c.1994-2A>C

Gene: ELN (elastin; plus strand). Cytogenetic location: 7q11.23.
Variant type: single nucleotide variant.
Coding change: c.1994-2A>C on transcript NM_000501.4 (MANE Select); the canonical splice acceptor site of the intron before coding-DNA position 1994, A replaced by C.
Molecular consequence: splice acceptor variant.
Genome position (GRCh38, 1-based): chr7:74,065,692, A>C. VCF-style: chr7-74065692-A-C. GRCh37 (hg19) VCF-style: chr7-73480022-A-C.
Other names: c.2009-2A>C (NM_001081754.3); c.1952-2A>C (NM_001081753.3); c.2180-2A>C (NM_001278939.2); c.2012-2A>C (NM_001278915.2); c.1994-2A>C (NM_001278912.2); c.1937-2A>C (NM_001081755.3); c.1850-2A>C (NM_001278916.2); c.1751-2A>C (NM_001278913.2); and 4 more.
Identifiers: ClinVar variation 546407 (VCV000546407.11), dbSNP rs1440841207, ClinGen allele CA367890851.

ClinVar aggregate classification (germline): Conflicting classifications of pathogenicity. Review status: criteria provided, conflicting classifications (1 of 4 stars). 2 submissions from 2 submitters: Likely pathogenic (1); Uncertain significance (1). Last evaluated 2021-06-10.

Conditions:
Supravalvar aortic stenosis (SVAS). Also called: Supravalvar aortic stenosis, Eisenberg type. Identifiers: Orphanet 3193, MedGen C0003499, MONDO:0008504, OMIM 185500, HP:0004381.

Allele frequency attached by ClinVar (database versions not stated): gnomAD exomes below 0.00001; gnomAD 0.00001; TOPMed 0.00001.
gnomAD v4.1: 2 of 1,611,512 alleles (0.00012%); highest among the groups gnomAD compares: Non-Finnish European, 0.00017%; no homozygotes.

Submissions (2):

GeneDx
Classification: Uncertain significance. Last evaluated: 2021-06-10. Review status: criteria provided, single submitter. Criteria: GeneDx Variant Classification Process June 2021. Collection method: clinical testing. Allele origin: germline. Affected: yes.
Comment: Has not been previously published as pathogenic or benign to our knowledge; Not observed in large population cohorts (Lek et al., 2016); Canonical splice site variant with an unclear effect on protein function; This variant is associated with the following publications: (PMID: 26582918)

Labcorp Genetics (formerly Invitae), Labcorp
Classification: Likely pathogenic for Supravalvar aortic stenosis. Last evaluated: 2019-06-03. Review status: criteria provided, single submitter. Criteria: Invitae Variant Classification Sherloc (09022015). Collection method: clinical testing. Allele origin: germline.
Comment: In summary, the currently available evidence indicates that the variant is pathogenic, but additional data are needed to prove that conclusively. Therefore, this variant has been classified as Likely Pathogenic. Donor and acceptor splice site variants typically lead to a loss of protein function (PMID: 16199547), and loss-of-function variants in ELN are known to be pathogenic (PMID: 11175284). This variant has not been reported in the literature in individuals with ELN-related conditions. ClinVar contains an entry for this variant (Variation ID: 546407). This variant is not present in population databases (ExAC no frequency). This sequence change affects an acceptor splice site in intron 30 of the ELN gene. It is expected to disrupt RNA splicing and likely results in an absent or disrupted protein product.

Literature cited by the submitters: PubMed 16199547 (cited by Labcorp Genetics (formerly Invitae), Labcorp); PubMed 11175284 (cited by Labcorp Genetics (formerly Invitae), Labcorp).